The following is an entry in ClinVar:

ClinVar aggregate classification (germline): Likely benign. Review status: criteria provided, multiple submitters, no conflicts (2 of 4 stars). 3 submissions from 3 submitters: Likely benign (3). Last evaluated 2024-10-08.

Conditions:
Atypical hemolytic-uremic syndrome with MCP/CD46 anomaly. Also called: HEMOLYTIC UREMIC SYNDROME, ATYPICAL, SUSCEPTIBILITY TO, 2; AHUS, SUSCEPTIBILITY TO, 2. Identifiers: Orphanet 2134, MedGen C2752040, MONDO:0013040, OMIM 612922.

Allele frequency attached by ClinVar (database versions not stated): gnomAD exomes 0.00069; ExAC 0.00088; gnomAD 0.00243 and 0.00262; TOPMed 0.00290; ESP Exome Variant Server 0.00300; 1000 Genomes Project 0.00339; 1000 Genomes Project 30x 0.00359.

Submissions (3):

Blueprint Genetics
Classification: Likely benign. Last evaluated: 2024-10-08. Review status: criteria provided, single submitter. Criteria: ACMG Guidelines, 2015. Collection method: clinical testing. Allele origin: germline.

Illumina Laboratory Services, Illumina
Classification: Likely benign for Atypical hemolytic-uremic syndrome with MCP/CD46 anomaly. Last evaluated: 2018-01-13. Review status: criteria provided, single submitter. Criteria: ICSL Variant Classification Criteria 13 December 2019. Collection method: clinical testing. Allele origin: germline.
Comment: This variant was observed in the ICSL laboratory as part of a predisposition screen in an ostensibly healthy population. It had not been previously curated by ICSL or reported in the Human Gene Mutation Database (HGMD: prior to June 1st, 2018), and was therefore a candidate for classification through an automated scoring system. Utilizing variant allele frequency, disease prevalence and penetrance estimates, and inheritance mode, an automated score was calculated to assess if this variant is too frequent to cause the disease. Based on the score and internal cut-off values, a variant classified as likely benign is not then subjected to further curation. The score for this variant resulted in a classification of likely benign for this disease.

Breakthrough Genomics
Classification: Likely benign. Review status: criteria provided, single submitter. Criteria: ACMG Guidelines, 2015. Collection method: not provided. Allele origin: germline. Inheritance: Autosomal recessive inheritance. Affected: yes.

NM_172351.3(CD46):c.-11C>A

Genes: CD46 (CD46 molecule; plus strand), LOC129932405 (ATAC-STARR-seq lymphoblastoid active region 2449; plus strand). Cytogenetic location: 1q32.2.
Variant type: single nucleotide variant.
Coding change: c.-11C>A on transcript NM_172351.3 (MANE Select); 11 bases upstream of the start codon, C replaced by A.
Molecular consequence: 5 prime UTR variant.
Genome position (GRCh38, 1-based): chr1:207,752,202, C>A. VCF-style: chr1-207752202-C-A. GRCh37 (hg19) VCF-style: chr1-207925547-C-A.
Other names: c.-11C>A (NM_002389.4, NM_153826.4, NM_172350.3 and 8 more transcripts).
Identifiers: ClinVar variation 875706 (VCV000875706.6), dbSNP rs74477032, ClinGen allele CA1371503.